The following is an entry in ClinVar:

NC_012920.1(MT-CYB):m.15740C>T

Gene: MT-CYB (mitochondrially encoded cytochrome b; plus strand).
Variant type: single nucleotide variant.
Genome position: chrM-15740-C-T.
Identifiers: ClinVar variation 693943 (VCV000693943.1), dbSNP rs1603225452, ClinGen allele CA913174710.

ClinVar aggregate classification (germline): Uncertain significance (1 of 4 stars; one submission).

Conditions:
Leigh syndrome (NULS). Also called: Leigh's necrotizing encephalopathy; Leigh's disease; Leigh's syndrome; LEIGH SYNDROME, NUCLEAR; Leigh Syndrome (mtDNA deletion); Leigh Disease. Identifiers: Orphanet 506, MedGen C2931891, MONDO:0009723, OMIM 256000.

Submission:

Wong Mito Lab, Molecular and Human Genetics, Baylor College of Medicine
Classification: Uncertain significance for Leigh syndrome. Last evaluated: 2019-10-17. Review status: criteria provided, single submitter. Criteria: Modified ACMG Guidelines (Unpublished). Collection method: clinical testing. Allele origin: germline.
Comment: The NC_012920.1:m.15740C>T (YP_003024038.1:p.Leu332Phe) variant in MTCYB gene is interpretated to be a Uncertain Significance variant based on the modified ACMG guidelines (unpublished). This variant meets the following evidence codes: BP5